The following is an entry in ClinVar:

NM_000492.4(CFTR):c.1953C>A (p.Asp651Glu)

Gene: CFTR (CF transmembrane conductance regulator; plus strand). Cytogenetic location: 7q31.2.
Variant type: single nucleotide variant.
Coding change: c.1953C>A on transcript NM_000492.4 (MANE Select); coding-DNA position 1953, C replaced by A.
Protein change: p.Asp651Glu; replaces aspartic acid 651 with glutamic acid.
Molecular consequence: missense variant.
Genome position (GRCh38, 1-based): chr7:117,592,120, C>A. VCF-style: chr7-117592120-C-A. GRCh37 (hg19) VCF-style: chr7-117232174-C-A.
Other names: short protein forms D651E.
Identifiers: ClinVar variation 4843817 (VCV004843817.1).

ClinVar aggregate classification (germline): Uncertain significance (1 of 4 stars; one submission).

Conditions:
Cystic fibrosis (CF). Also called: MUCOVISCIDOSIS. Identifiers: Orphanet 586, MedGen C0010674, MONDO:0009061, OMIM 219700. Disease mechanism: loss of function.

Submission:

Ambry Genetics
Classification: Uncertain significance for Cystic fibrosis. Last evaluated: 2025-12-15. Review status: criteria provided, single submitter. Criteria: Ambry Variant Classification Scheme 2023. Collection method: clinical testing. Allele origin: germline.
Comment: The p.D651E variant (also known as c.1953C>A), located in coding exon 14 of the CFTR gene, results from a C to A substitution at nucleotide position 1953. The aspartic acid at codon 651 is replaced by glutamic acid, an amino acid with highly similar properties. This amino acid position is conserved. In addition, the in silico prediction for this alteration is inconclusive. Based on the available evidence, the clinical significance of this variant remains unclear.